The following continues an entry in ClinVar:

NM_007194.4(CHEK2):c.1100del (p.Thr367fs)

Gene: CHEK2. ClinVar aggregate classification (germline): Pathogenic. Pathogenic (76).

Submissions 19 to 30 of 99:

ARUP Laboratories, Molecular Genetics and Genomics, ARUP Laboratories
Classification: Pathogenic. Last evaluated: 2025-05-28. Review status: criteria provided, single submitter. Criteria: ARUP Molecular Germline Variant Investigation Process 2024. Collection method: clinical testing. Allele origin: germline.
Comment: The CHEK2 c.1100delC; p.Thr367MetfsTer15 variant (rs555607708) is a well-studied variant that was originally associated with Li-Fraumeni syndrome (Bell 1999) and has since been reported as pathogenic by multiple laboratories in ClinVar (Variation ID: 128042). This variant causes a frameshift by deleting a single nucleotide, so it is predicted to result in a truncated protein or mRNA subject to nonsense-mediated decay. Additionally, in vitro functional analyses demonstrate a loss of CHEK2 kinase activity, supportive of a pathogenic effect (Lee 2001). This variant is also described as a founder variant in Northern European populations (Cybulski 2004), and is found in the Finnish European population with an allele frequency of 0.87% (219/25124 alleles) in the Genome Aggregation Database. This reduced penetrance variant is associated with an increased breast cancer risk (Bak 2014, Cybulski 2004, Cybulski 2007), and the overall lifetime breast cancer risk for CHEK2 pathogenic variants in general is 20-30% (Slavin 2015). This variant has also been associated with an increased risk of prostate cancer (Naslund-Koch 2016, Pritchard 2016, Wu 2018). There may be additional cancer risks associated with this variant but evidence is incomplete at this time. Based on available information, the c.1100delC variant is considered to be pathogenic. REFERENCES Bak A et al. A risk of breast cancer in women - carriers of constitutional CHEK2 gene mutations, originating from the North - Central Poland. Hered Cancer Clin Pract. 2014 12(1): 10. Bell DW et al. Heterozygous germ line hCHK2 mutations in Li-Fraumeni syndrome. Science. 1999 286(5449):2528-31. Cybulski C et al. CHEK2 is a multiorgan cancer susceptibility gene. Am J Hum Genet. 2004 75(6):1131-5. Cybulski C et al. A deletion in CHEK2 of 5,395 bp predisposes to breast cancer in Poland. Breast Cancer Res Treat. 2007 102(1):119-22. Lee SB et al. Destabilization of CHK2 by a missense mutation associated with Li-Fraumeni Syndrome. Cancer Res. 2001 61(22):8062-7. Naslund-Koch C et al. Increased Risk for Other Cancers in Addition to Breast Cancer for CHEK2*1100delC Heterozygotes Estimated From the Copenhagen General Population Study. J Clin Oncol. 2016 Apr 10;34(11):1208-16. Pritchard CC et al. Inherited DNA-Repair Gene Mutations in Men with Metastatic Prostate Cancer. N Engl J Med. 2016 Aug 4;375(5):443-53. Slavin TP et al. Clinical Application of Multigene Panels: Challenges of Next-Generation Counseling and Cancer Risk Management. Front Oncol. 2015 5:208. Wu Y et al. A comprehensive evaluation of CHEK2 germline mutations in men with prostate cancer. Prostate. 2018 Jun;78(8):607-615.

Ambry Genetics
Classification: Pathogenic for Hereditary cancer-predisposing syndrome. Last evaluated: 2025-03-31. Review status: criteria provided, single submitter. Criteria: Ambry Variant Classification Scheme 2023. Collection method: clinical testing. Allele origin: germline.
Comment: The c.1100delC pathogenic mutation, located in coding exon 10 of the CHEK2 gene, results from a deletion of one nucleotide at position 1100, causing a translational frameshift with a predicted alternate stop codon (p.T367Mfs*15). This alteration is located within the kinase domain, and is reported to abolish the kinase activity of CHK2 (Wu X et al. J. Biol. Chem. 2001 Jan;276(4):2971-4). Clinic-based studies have estimated an approximately 2-fold increase in female breast cancer, colorectal cancer, and melanoma risk associated with this alteration (The CHEK2 Breast Cancer Case-Control Consortium. Am. J. Hum. Genet. 2004 Jun;74(6):1175-82; Xiang HP et al. Eur. J. Cancer. 2011 Nov;47(17):2546-51; Weischer M et al. J. Invest. Dermatol. 2012 Feb;132(2):299-303). However, another population-based study found a 2-fold increase in female breast cancer risk and 6-fold increase in stomach cancer risk associated with this alteration, but did not find a statistically significant association with colon cancer or melanoma (N&auml;slund-Koch C et al. J. Clin. Oncol. 2016 Apr;34(11):1208-16). Another study found that risk for estrogen receptor (ER) positive breast cancer was more pronounced than risk for ER-negative breast cancer and estimated that the cumulative risks for development of ER-positive and ER-negative tumors by age 80 in carriers were 20% and 3%, respectively, compared with 9% and 2%, respectively, in the general population of the United Kingdom (Schmidt MK et al. J. Clin. Oncol. 2016 Aug;34(23):2750-60). This alteration has also been reported in male breast cancer cohorts (Leedom TP et al. Cancer Genet. 2016 Sep;209:403-407; Hallamies S et al. BMC Cancer 2017 Sep;17:620), and was identified in 5/692 men with metastatic prostate cancer who were unselected for family history of cancer or age at diagnosis (Pritchard CC et al. N. Engl. J. Med. 2016 Aug;375:443-53). In addition to the clinical data presented in the literature, this alteration is expected to result in loss of function by premature protein truncation or nonsense-mediated mRNA decay. As such, this alteration is interpreted as a disease-causing mutation.

Victorian Clinical Genetics Services, Murdoch Childrens Research Institute
Classification: Pathogenic for CHEK2-related cancer predisposition. Last evaluated: 2025-03-24. Review status: criteria provided, single submitter. Criteria: ACMG Guidelines, 2015. Collection method: clinical testing. Allele origin: germline. Affected: no.
Comment: This variant is classified as Pathogenic. Evidence in support of pathogenic classification: Variant is predicted to cause nonsense-mediated decay (NMD) and loss of protein (premature termination codon is located at least 54 nucleotides upstream of the final exon-exon junction); This variant has very strong previous evidence of pathogenicity in unrelated individuals. This variant has been classified as pathogenic by multiple clinical laboratories in ClinVar; Other NMD-predicted variants comparable to the one identified in this case have very strong previous evidence for pathogenicity (DECIPHER). Additional information: This variant is heterozygous; This gene is associated with autosomal dominant disease; Variant is present in gnomAD >=0.001 and <0.01 for a dominant condition (v4: 3457 heterozygote(s), 0 homozygote(s)); Loss of function is a known mechanism of disease in this gene and is associated with tumour predisposition syndrome 4 (MIM#609265); however, dominant negative is the established mechanism of disease for the common p.(Ile157Thr) variant (PMID: 15239132).

Molecular Diagnostics Laboratory, Catalan Institute of Oncology
Classification: Pathogenic for Hereditary cancer-predisposing syndrome. Last evaluated: 2025-03-13. Review status: criteria provided, single submitter. Criteria: ACMG Guidelines, 2015. Collection method: clinical testing. Allele origin: germline.
Comment: PVS1, PS3, PS4_Moderate c.1100del, located in exon 11 of the CHEK2 gene, consists in the deletion of one nucleotide, causing a translational frameshift with a predicted alternate stop codon (p.(Thr367Metfs*15)). This alteration is expected to result in loss of function by premature protein truncation or nonsense-mediated mRNA decay (PVS1). The variant allele was found in 302/116902 alleles, with a filter allele frequency of 0.22% at 99% confidence, within the gnomAD v2.1.1 database (European non-Finnish non-cancer data set). The SpliceAI algorithm predicts no significant impact on splicing. Several case–control studies have reported OR is between 1.5 and 5.0 (2.89, PMID: 29909568)(PS4_Moderate). Experimental studies have shown lack of kinase activity (PMID: 16982735, PMID: 31050813, PMID: 11719428, PMID: 11053450, PMID: 22114986), low protein expression and protein stability (PMID: 16982735) (PS3). This variant has been identified in the following databases, ClinVar (79x as pathogenic), LOVD (25x as pathogenic, 1x as likely pathogenic, 1x as likely benign, 7x as not provided). Based on currently available information, the variant c.1100del is classified as a pathogenic variant according to ACMG guidelines.

Laboratory of Genetics, Children's Clinical University Hospital Latvia
Classification: Pathogenic. Last evaluated: 2025-02-16. Review status: criteria provided, single submitter. Criteria: ACMG Guidelines, 2015. Collection method: clinical testing. Allele origin: germline. Affected: yes.

Department of Clinical Genetics, Copenhagen University Hospital, Rigshospitalet
Classification: Pathogenic for Hereditary cancer-predisposing syndrome. Last evaluated: 2025-02-04. Review status: criteria provided, single submitter. Criteria: ACMG Guidelines, 2015. Collection method: clinical testing. Allele origin: germline.
Comment: PVS1; PS4

Mayo Clinic Laboratories, Mayo Clinic
Classification: Pathogenic. Last evaluated: 2024-12-30. Review status: criteria provided, single submitter. Criteria: ACMG Guidelines, 2015. Collection method: clinical testing. Allele origin: germline. Observed: 5 variant alleles.
Comment: PP5, PS4_moderate, PVS1

Institute of Human Genetics Munich, TUM University Hospital
Classification: Pathogenic for CHEK2-related cancer predisposition. Last evaluated: 2024-12-23. Review status: criteria provided, single submitter. Criteria: Classification criteria August 2017. Collection method: clinical testing. Allele origin: germline. Inheritance: Autosomal dominant inheritance. Affected: yes. Observed: 1 variant allele.

Genomics and Molecular Medicine Service, East Genomic Laboratory Hub, NHS Genomic Medicine Service
Classification: Pathogenic for Inherited prostate cancer. Last evaluated: 2024-11-19. Review status: criteria provided, single submitter. Criteria: ACGS Best Practice Guidelines for Variant Classification in Rare Disease 2020. Collection method: clinical testing. Allele origin: germline. Affected: yes.
Comment: PVS1,PS4,PM5_Supporting

Blueprint Genetics
Classification: Pathogenic for CHEK2-related disorders. Last evaluated: 2024-11-14. Review status: criteria provided, single submitter. Criteria: ACMG Guidelines, 2015. Collection method: clinical testing. Allele origin: germline. Affected: yes. Observed: 5 variant alleles.

Institute of Human Genetics, University of Leipzig Medical Center
Classification: Pathogenic for Familial cancer of breast. Last evaluated: 2024-09-30. Review status: criteria provided, single submitter. Criteria: ACMG Guidelines, 2015. Collection method: clinical testing. Allele origin: unknown. Inheritance: Autosomal dominant inheritance. Affected: yes.
Comment: Criteria applied: PVS1,PS3,PS4_MOD

Institute of Human Genetics, University of Leipzig Medical Center
Classification: Pathogenic for Breast-ovarian cancer, familial, susceptibility to, 1. Last evaluated: 2024-08-22. Review status: criteria provided, single submitter. Criteria: ACMG Guidelines, 2015. Collection method: clinical testing. Allele origin: unknown. Inheritance: Autosomal dominant inheritance. Affected: yes.
Comment: Criteria applied: PVS1,PS3,PM1